The following is an entry in ClinVar:

NM_007194.4(CHEK2):c.1292G>T (p.Arg431Met)

Gene: CHEK2 (checkpoint kinase 2; minus strand). Cytogenetic location: 22q12.1.
Variant type: single nucleotide variant.
Coding change: c.1292G>T on transcript NM_007194.4 (MANE Select); coding-DNA position 1292, G replaced by T.
Protein change: p.Arg431Met; replaces arginine 431 with methionine.
Molecular consequence: missense variant.
Genome position (GRCh38, 1-based): chr22:28,695,210, C>A on the plus strand (G>T on the coding strand, the complement: CHEK2 is on the minus strand). VCF-style: chr22-28695210-C-A. GRCh37 (hg19) VCF-style: chr22-29091198-C-A.
Other names: c.1421G>T, p.Arg474Met (NM_001005735.3); c.629G>T, p.Arg210Met (NM_001257387.3); c.1091G>T, p.Arg364Met (NM_001349956.3); c.1205G>T, p.Arg402Met (NM_145862.3); short protein forms R431M, R210M, R474M, R402M, R364M.
Identifiers: ClinVar variation 483381 (VCV000483381.15), dbSNP rs1555913504, ClinGen allele CA411096163.
Genomic context (GRCh38, chr22:28,695,210, plus strand): 5'-ACTTCAGGAATGAAGTTGTATTTTCCACTGGTGATCTGATCCTTCAGTGACACTTGAGTC[C>A]TATGCTCAGAGAAAGGTGGATACCCACTAAGGCTTAATATTGGTAGAGAGAGAAAGGAAA-3'
Protein context (NP_009125.1, residues 421-441): LSGYPPFSEH[Arg431Met]TQVSLKDQIT

ClinVar aggregate classification (germline): Uncertain significance. Review status: criteria provided, multiple submitters, no conflicts (2 of 4 stars). 3 submissions from 3 submitters: Uncertain significance (3). Last evaluated 2025-06-19.

Conditions:
Hereditary cancer-predisposing syndrome. Also called: Neoplastic Syndromes, Hereditary; Tumor predisposition; Hereditary Cancer Syndrome; Hereditary neoplastic syndrome. Identifiers: Orphanet 140162, MedGen C0027672, MeSH D009386, MONDO:0015356.
Familial cancer of breast. Also called: BREAST CANCER, FAMILIAL; Hereditary breast cancer; hereditary breast carcinoma. Identifiers: Orphanet 227535, MedGen C0346153, MONDO:0016419, OMIM 114480. Disease mechanism: loss of function.

Submissions (3):

Labcorp Genetics (formerly Invitae), Labcorp
Classification: Uncertain significance for Familial cancer of breast. Last evaluated: 2025-06-19. Review status: criteria provided, single submitter. Criteria: Invitae Variant Classification Sherloc (09022015). Collection method: clinical testing. Allele origin: germline.
Comment: This sequence change replaces arginine, which is basic and polar, with methionine, which is neutral and non-polar, at codon 431 of the CHEK2 protein (p.Arg431Met). This variant is not present in population databases (gnomAD no frequency). This variant has not been reported in the literature in individuals affected with CHEK2-related conditions. ClinVar contains an entry for this variant (Variation ID: 483381). An algorithm developed to predict the effect of missense changes on protein structure and function (PolyPhen-2) suggests that this variant is likely to be tolerated. In summary, the available evidence is currently insufficient to determine the role of this variant in disease. Therefore, it has been classified as a Variant of Uncertain Significance.

Ambry Genetics
Classification: Uncertain significance for Hereditary cancer-predisposing syndrome. Last evaluated: 2024-02-16. Review status: criteria provided, single submitter. Criteria: Ambry Variant Classification Scheme 2023. Collection method: clinical testing. Allele origin: germline.
Comment: The p.R431M variant (also known as c.1292G>T), located in coding exon 11 of the CHEK2 gene, results from a G to T substitution at nucleotide position 1292. The arginine at codon 431 is replaced by methionine, an amino acid with similar properties. This amino acid position is poorly conserved in available vertebrate species. In addition, this alteration is predicted to be tolerated by in silico analysis. Since supporting evidence is limited at this time, the clinical significance of this alteration remains unclear.

GeneDx
Classification: Uncertain significance. Last evaluated: 2020-09-08. Review status: criteria provided, single submitter. Criteria: GeneDx Variant Classification Process June 2021. Collection method: clinical testing. Allele origin: germline. Affected: yes.
Comment: Not observed in large population cohorts (Lek 2016); In silico analysis supports that this missense variant does not alter protein structure/function; Has not been previously published as pathogenic or benign to our knowledge